The following is an entry in ClinVar:

NM_000444.6(PHEX):c.1482+1del

Genes: PHEX (phosphate regulating endopeptidase X-linked; plus strand), PHEX-AS1 (PHEX antisense RNA 1; minus strand). Cytogenetic location: Xp22.11.
Variant type: Deletion.
Coding change: c.1482+1del on transcript NM_000444.6 (MANE Select); the canonical splice donor site of the intron after coding-DNA position 1482, one base deleted (G; older notation c.1482+1delG).
Molecular consequence: splice donor variant.
Genome position (GRCh38, 1-based): chrX:22,168,390, G deleted. VCF-style (leftmost placement, unchanged base first): chrX-22168389-TG-T. GRCh37 (hg19) VCF-style: chrX-22186506-TG-T.
Other names: c.1482+1del (NM_001282754.2).
Identifiers: ClinVar variation 2585572 (VCV002585572.1), dbSNP rs2518593357, ClinGen allele CA2582342897.

ClinVar aggregate classification (germline): Likely pathogenic (1 of 4 stars; one submission).

Conditions:
Familial X-linked hypophosphatemic vitamin D refractory rickets (XLHRD). Also called: X-Linked Hypophosphatemia; Hypophosphatemic Rickets, X-Linked Dominant; Hypophosphatemia, vitamin D-resistant rickets; Vitamin D-resistant rickets, X-linked; HYPOPHOSPHATEMIC VITAMIN D-RESISTANT RICKETS. Identifiers: Orphanet 89936, MedGen C0733682, MONDO:0010619, OMIM 307800.

Submission:

Neuberg Centre For Genomic Medicine, NCGM
Classification: Likely pathogenic for Familial X-linked hypophosphatemic vitamin D refractory rickets. Review status: criteria provided, single submitter. Criteria: ACMG Guidelines, 2015. Collection method: clinical testing. Allele origin: germline. Inheritance: X-linked inheritance. Affected: yes.